The following is an entry in ClinVar:

NM_001084.5(PLOD3):c.1180G>A (p.Asp394Asn)

Gene: PLOD3 (procollagen-lysine,2-oxoglutarate 5-dioxygenase 3; minus strand). Cytogenetic location: 7q22.1.
Variant type: single nucleotide variant.
Coding change: c.1180G>A on transcript NM_001084.5 (MANE Select); coding-DNA position 1180, G replaced by A.
Protein change: p.Asp394Asn; replaces aspartic acid 394 with asparagine.
Molecular consequence: missense variant.
Genome position (GRCh38, 1-based): chr7:101,211,898, C>T on the plus strand (G>A on the coding strand, the complement: PLOD3 is on the minus strand). VCF-style: chr7-101211898-C-T. GRCh37 (hg19) VCF-style: chr7-100855179-C-T.
Other names: c.1180G>A (NM_001084.4); short protein forms D394N.
Identifiers: ClinVar variation 2368230 (VCV002368230.6), dbSNP rs771549876, ClinGen allele CA4407807.

ClinVar aggregate classification (germline): Conflicting classifications of pathogenicity. Review status: criteria provided, conflicting classifications (1 of 4 stars). 3 submissions from 3 submitters: Uncertain significance (2); Likely benign (1). Last evaluated 2023-11-02.

Conditions:
Inborn genetic diseases. Identifiers: MedGen C0950123, MeSH D030342.

Allele frequency attached by ClinVar (database versions not stated): gnomAD exomes 0.00001; TOPMed 0.00001; gnomAD 0.00002; ExAC 0.00011.
gnomAD v4.1: 23 of 1,612,116 alleles (0.0014%); highest among the groups gnomAD compares: East Asian, 0.018%; no homozygotes.

Submissions (3):

GeneDx
Classification: Uncertain significance. Last evaluated: 2023-11-02. Review status: criteria provided, single submitter. Criteria: GeneDx Variant Classification Process June 2021. Collection method: clinical testing. Allele origin: germline. Affected: yes.
Comment: In silico analysis supports that this missense variant has a deleterious effect on protein structure/function; Has not been previously published as pathogenic or benign to our knowledge

Labcorp Genetics (formerly Invitae), Labcorp
Classification: Uncertain significance. Last evaluated: 2022-06-15. Review status: criteria provided, single submitter. Criteria: Invitae Variant Classification Sherloc (09022015). Collection method: clinical testing. Allele origin: germline.
Comment: This sequence change replaces aspartic acid, which is acidic and polar, with asparagine, which is neutral and polar, at codon 394 of the PLOD3 protein (p.Asp394Asn). This variant is present in population databases (rs771549876, gnomAD 0.04%). This variant has not been reported in the literature in individuals affected with PLOD3-related conditions. Algorithms developed to predict the effect of missense changes on protein structure and function are either unavailable or do not agree on the potential impact of this missense change (SIFT: "Deleterious"; PolyPhen-2: "Benign"; Align-GVGD: "Class C15"). In summary, the available evidence is currently insufficient to determine the role of this variant in disease. Therefore, it has been classified as a Variant of Uncertain Significance.

Ambry Genetics
Classification: Likely benign for Inborn genetic diseases. Last evaluated: 2021-08-30. Review status: criteria provided, single submitter. Criteria: Ambry Variant Classification Scheme 2023. Collection method: clinical testing. Allele origin: germline.